The following is an entry in ClinVar:

NM_001370259.2(MEN1):c.868G>C (p.Glu290Gln)

Gene: MEN1 (menin 1; minus strand). Cytogenetic location: 11q13.1.
Variant type: single nucleotide variant.
Coding change: c.868G>C on transcript NM_001370259.2 (MANE Select); coding-DNA position 868, G replaced by C.
Protein change: p.Glu290Gln; replaces glutamic acid 290 with glutamine.
Molecular consequence: missense variant.
Genome position (GRCh38, 1-based): chr11:64,807,055, C>G on the plus strand (G>C on the coding strand, the complement: MEN1 is on the minus strand). VCF-style: chr11-64807055-C-G. GRCh37 (hg19) VCF-style: chr11-64574527-C-G.
Other names: c.868G>C (NM_130799.2); c.883G>C, p.Glu295Gln (NM_000244.4, NM_130800.3, NM_130801.3 and 3 more transcripts); c.868G>C, p.Glu290Gln (NM_001370251.2, NM_001370260.2, NM_001370261.2 and 1 more transcripts); c.763G>C, p.Glu255Gln (NM_001370262.2, NM_001370263.2); short protein forms E255Q, E290Q, E295Q.
Identifiers: ClinVar variation 1006638 (VCV001006638.10), dbSNP rs1335117435, ClinGen allele CA381183567.

ClinVar aggregate classification (germline): Uncertain significance. Review status: criteria provided, multiple submitters, no conflicts (2 of 4 stars). 2 submissions from 2 submitters: Uncertain significance (2). Last evaluated 2025-02-10.

Conditions:
Hereditary cancer-predisposing syndrome. Also called: Hereditary neoplastic syndrome; Neoplastic Syndromes, Hereditary; Tumor predisposition; Hereditary Cancer Syndrome. Identifiers: Orphanet 140162, MedGen C0027672, MeSH D009386, MONDO:0015356.
Multiple endocrine neoplasia, type 1 (MEN1). Also called: Endocrine adenomatosis multiple; MEN 1; MEN I; WERMER SYNDROME; MEA I. Identifiers: Orphanet 652, MedGen C0025267, MeSH D018761, MONDO:0007540, OMIM 131100.

Submissions (2):

Labcorp Genetics (formerly Invitae), Labcorp
Classification: Uncertain significance for Multiple endocrine neoplasia, type 1. Last evaluated: 2025-02-10. Review status: criteria provided, single submitter. Criteria: Invitae Variant Classification Sherloc (09022015). Collection method: clinical testing. Allele origin: germline.
Comment: This sequence change replaces glutamic acid, which is acidic and polar, with glutamine, which is neutral and polar, at codon 290 of the MEN1 protein (p.Glu290Gln). This variant is not present in population databases (gnomAD no frequency). This variant has not been reported in the literature in individuals affected with MEN1-related conditions. ClinVar contains an entry for this variant (Variation ID: 1006638). Invitae Evidence Modeling of protein sequence and biophysical properties (such as structural, functional, and spatial information, amino acid conservation, physicochemical variation, residue mobility, and thermodynamic stability) has been performed for this missense variant. However, the output from this modeling did not meet the statistical confidence thresholds required to predict the impact of this variant on MEN1 protein function. In summary, the available evidence is currently insufficient to determine the role of this variant in disease. Therefore, it has been classified as a Variant of Uncertain Significance.

Ambry Genetics
Classification: Uncertain significance for Hereditary cancer-predisposing syndrome. Last evaluated: 2024-12-10. Review status: criteria provided, single submitter. Criteria: Ambry Variant Classification Scheme 2023. Collection method: clinical testing. Allele origin: germline.